The following is an entry in ClinVar:

ClinVar aggregate classification (germline): Uncertain significance. Review status: criteria provided, single submitter (1 of 4 stars). 2 submissions from 2 submitters: Uncertain significance (1). 1 of the submissions does not count toward it. Last evaluated 2021-08-20.

Conditions:
Choroideremia. Also called: Chorioretinal scalloped atrophy. Identifiers: Orphanet 180, MedGen C0008525, MONDO:0010557, OMIM 303100, HP:0001139.

Allele frequency attached by ClinVar (database versions not stated): gnomAD exomes below 0.00001 and 0.00001; ExAC 0.00002.
gnomAD v4.1: 2 of 1,154,966 alleles (0.00017%); highest among the groups gnomAD compares: Non-Finnish European, 0.00023%; no homozygotes.

Submissions (2):

Labcorp Genetics (formerly Invitae), Labcorp
Classification: Uncertain significance. Last evaluated: 2021-08-20. Review status: criteria provided, single submitter. Criteria: Invitae Variant Classification Sherloc (09022015). Collection method: clinical testing. Allele origin: germline.
Comment: This sequence change replaces tyrosine with histidine at codon 43 of the CHM protein (p.Tyr43His). The tyrosine residue is highly conserved and there is a moderate physicochemical difference between tyrosine and histidine. This variant is present in population databases (rs780259893, ExAC 0.004%). This variant has not been reported in the literature in individuals affected with CHM-related conditions. Algorithms developed to predict the effect of missense changes on protein structure and function (SIFT, PolyPhen-2, Align-GVGD) all suggest that this variant is likely to be disruptive. In summary, the available evidence is currently insufficient to determine the role of this variant in disease. Therefore, it has been classified as a Variant of Uncertain Significance.

Natera, Inc.
Classification: Uncertain significance for Choroideremia. Last evaluated: 2020-08-14. Review status: no assertion criteria provided. Collection method: clinical testing. Allele origin: germline. Not counted in ClinVar's aggregate classification.

NM_000390.4(CHM):c.127T>C (p.Tyr43His)

Gene: CHM (CHM Rab escort protein; minus strand). Cytogenetic location: Xq21.2.
Variant type: single nucleotide variant.
Coding change: c.127T>C on transcript NM_000390.4 (MANE Select); coding-DNA position 127, T replaced by C.
Protein change: p.Tyr43His; replaces tyrosine 43 with histidine.
Molecular consequence: missense variant. On other transcripts: 5 prime UTR variant (4).
Genome position (GRCh38, 1-based): chrX:85,981,799, A>G on the plus strand (T>C on the coding strand, the complement: CHM is on the minus strand). VCF-style: chrX-85981799-A-G. GRCh37 (hg19) VCF-style: chrX-85236803-A-G.
Other names: c.127T>C, p.Tyr43His (NM_001145414.4); c.-318T>C (NM_001320959.1, NM_001362517.1); c.-314T>C (NM_001362518.2, NM_001362519.1); short protein forms Y43H.
Identifiers: ClinVar variation 966266 (VCV000966266.8), dbSNP rs780259893, ClinGen allele CA10465637.